The following is an entry in ClinVar:

NM_000979.4(RPL18):c.509A>G (p.Lys170Arg)

Gene: RPL18 (ribosomal protein L18; minus strand). Cytogenetic location: 19q13.33.
Variant type: single nucleotide variant.
Coding change: c.509A>G on transcript NM_000979.4 (MANE Select); coding-DNA position 509, A replaced by G.
Protein change: p.Lys170Arg; replaces lysine 170 with arginine.
Molecular consequence: missense variant. On other transcripts: non-coding transcript variant (1).
Genome position (GRCh38, 1-based): chr19:48,615,430, T>C on the plus strand (A>G on the coding strand, the complement: RPL18 is on the minus strand). VCF-style: chr19-48615430-T-C. GRCh37 (hg19) VCF-style: chr19-49118687-T-C.
Other names: c.422A>G, p.Lys141Arg (NM_001270490.2); short protein forms K141R, K170R.
Identifiers: ClinVar variation 4716159 (VCV004716159.1).

ClinVar aggregate classification (germline): Uncertain significance (1 of 4 stars; one submission).

gnomAD v4.1: 1 of 1,612,978 alleles (0.000062%); highest among the groups gnomAD compares: South Asian, 0.0011%; no homozygotes.

Submission:

Labcorp Genetics (formerly Invitae), Labcorp
Classification: Uncertain significance. Last evaluated: 2025-03-27. Review status: criteria provided, single submitter. Criteria: Invitae Variant Classification Sherloc (09022015). Collection method: clinical testing. Allele origin: germline.
Comment: This sequence change replaces lysine, which is basic and polar, with arginine, which is basic and polar, at codon 170 of the RPL18 protein (p.Lys170Arg). This variant is not present in population databases (gnomAD no frequency). This variant has not been reported in the literature in individuals affected with RPL18-related conditions. An algorithm developed to predict the effect of missense changes on protein structure and function (PolyPhen-2) suggests that this variant is likely to be tolerated. In summary, the available evidence is currently insufficient to determine the role of this variant in disease. Therefore, it has been classified as a Variant of Uncertain Significance.